The following is an entry in ClinVar:

ClinVar aggregate classification (germline): Pathogenic. Review status: criteria provided, multiple submitters, no conflicts (2 of 4 stars). 2 submissions from 2 submitters: Pathogenic (2). Last evaluated 2022-05-06.

Conditions:
Werdnig-Hoffmann disease (SMA1). Also called: SMA I; SMA, INFANTILE ACUTE FORM; MUSCULAR ATROPHY, INFANTILE; HMN (Hereditary Motor Neuropathy) Proximal Type I. Identifiers: Orphanet 83330, MedGen C5848259, MONDO:0009669, OMIM 253300. Disease mechanism: loss of function.

Submissions (2):

MGZ Medical Genetics Center
Classification: Pathogenic for Werdnig-Hoffmann disease. Last evaluated: 2022-05-06. Review status: criteria provided, single submitter. Criteria: ACMG Guidelines, 2015. Collection method: clinical testing. Allele origin: germline. Affected: yes. Observed: 1 variant allele.
Comment: ACMG criteria applied: PVS1, PM3, PM2_SUP

Athena Diagnostics
Classification: Pathogenic. Last evaluated: 2018-11-14. Review status: criteria provided, single submitter. Criteria: Athena Diagnostics Criteria. Collection method: clinical testing. Allele origin: germline.
Comment: The variant creates a premature nonsense codon, and is therefore predicted to result in the loss of a functional protein. Found in at least one symptomatic patient, and not found in general population data.

Literature cited by the submitters: PubMed 25525159 (cited by Athena Diagnostics); PubMed 19050931 (cited by Athena Diagnostics); PubMed 18172693 (cited by Athena Diagnostics).

NM_000344.4(SMN1):c.469C>T (p.Gln157Ter)

Gene: SMN1 (survival of motor neuron 1, telomeric). Cytogenetic location: 5q13.2.
Variant type: single nucleotide variant.
Coding change: c.469C>T on transcript NM_000344.4 (MANE Select); coding-DNA position 469, C replaced by T.
Protein change: p.Gln157Ter; replaces glutamine 157 with a stop codon.
Molecular consequence: nonsense.
Genome position (GRCh38, 1-based): chr5:70,942,553, C>T. VCF-style: chr5-70942553-C-T. GRCh37 (hg19) VCF-style: chr5-70238380-C-T.
Other names: c.469C>T, p.Gln157Ter (NM_001297715.1, NM_022874.2); short protein forms Q157*.
Identifiers: ClinVar variation 805485 (VCV000805485.3), dbSNP rs1580886973, ClinGen allele CA360094883.